The following is an entry in ClinVar:

NM_000321.3(RB1):c.967G>C (p.Glu323Gln)

Gene: RB1 (RB transcriptional corepressor 1; plus strand). Cytogenetic location: 13q14.2.
Variant type: single nucleotide variant.
Coding change: c.967G>C on transcript NM_000321.3 (MANE Select); coding-DNA position 967, G replaced by C.
Protein change: p.Glu323Gln; replaces glutamic acid 323 with glutamine.
Molecular consequence: missense variant.
Genome position (GRCh38, 1-based): chr13:48,367,521, G>C. VCF-style: chr13-48367521-G-C. GRCh37 (hg19) VCF-style: chr13-48941657-G-C.
Other names: c.967G>C, p.Glu323Gln (NM_001407165.1, NM_001407166.1); short protein forms E323Q.
Identifiers: ClinVar variation 5027978 (VCV005027978.1).
Genomic context (GRCh38, chr13:48,367,521, plus strand): 5'-AAGGATAATTGTCAGTGACTTTTTTCTTTCAAGGTTGAAAATCTTTCTAAACGATACGAA[G>C]AAATTTATCTTAAAAATAAAGATCTAGATGCAAGATTATTTTTGGATCATGATAAAACTC-3'
Protein context (NP_000312.2, residues 313-333): EVENLSKRYE[Glu323Gln]IYLKNKDLDA

ClinVar aggregate classification (germline): Uncertain significance (1 of 4 stars; one submission).

Conditions:
Hereditary cancer-predisposing syndrome. Also called: Neoplastic Syndromes, Hereditary; Tumor predisposition; Hereditary neoplastic syndrome; Hereditary Cancer Syndrome. Identifiers: Orphanet 140162, MedGen C0027672, MeSH D009386, MONDO:0015356.

Submission:

Ambry Genetics
Classification: Uncertain significance for Hereditary cancer-predisposing syndrome. Last evaluated: 2026-08-11. Review status: criteria provided, single submitter. Criteria: Ambry Variant Classification Scheme 2023. Collection method: clinical testing. Allele origin: germline.
Comment: The p.E323Q variant (also known as c.967G>C), located in coding exon 10 of the RB1 gene, results from a G to C substitution at nucleotide position 967. The glutamic acid at codon 323 is replaced by glutamine, an amino acid with highly similar properties. This amino acid position is conserved. In addition, the in silico prediction for this alteration is inconclusive. Based on the available evidence, the clinical significance of this variant remains unclear.